The following is an entry in ClinVar:

ClinVar aggregate classification (germline): Pathogenic/Likely pathogenic. Review status: criteria provided, multiple submitters, no conflicts (2 of 4 stars). 2 submissions from 2 submitters: Pathogenic (1); Likely pathogenic (1). Last evaluated 2024-08-27.

Conditions:
Sucrase-isomaltase deficiency (CSID). Also called: SI DEFICIENCY; Deficiency of isomaltase; Congenital sucrose isomaltose malabsorption; Sucrose isomaltose enzyme deficiency. Identifiers: Orphanet 35122, MedGen C1283620, MONDO:0009114, OMIM 222900.

gnomAD v4.1: 1 of 1,611,818 alleles (0.000062%); highest among the groups gnomAD compares: East Asian, 0.0022%; no homozygotes.

Submissions (2):

Labcorp Genetics (formerly Invitae), Labcorp
Classification: Pathogenic. Last evaluated: 2024-08-27. Review status: criteria provided, single submitter. Criteria: Invitae Variant Classification Sherloc (09022015). Collection method: clinical testing. Allele origin: germline.
Comment: This sequence change creates a premature translational stop signal (p.Trp485*) in the SI gene. It is expected to result in an absent or disrupted protein product. Loss-of-function variants in SI are known to be pathogenic (PMID: 16329100, 23103650, 25452324). This variant is present in population databases (no rsID available, gnomAD 0.006%). This variant has not been reported in the literature in individuals affected with SI-related conditions. For these reasons, this variant has been classified as Pathogenic.

Juno Genomics, Hangzhou Juno Genomics, Inc
Classification: Likely pathogenic for Sucrase-isomaltase deficiency. Review status: criteria provided, single submitter. Criteria: ACMG Guidelines, 2015. Collection method: clinical testing. Allele origin: germline. Affected: yes.
Comment: Absent from controls (or at extremely low frequency if recessive) in Genome Aggregation Database.;Null variant in a gene where loss of function (LOF) is a known mechanism of disease.

Literature cited by the submitters: PubMed 16329100 (cited by Labcorp Genetics (formerly Invitae), Labcorp); PubMed 23103650 (cited by Labcorp Genetics (formerly Invitae), Labcorp); PubMed 25452324 (cited by Labcorp Genetics (formerly Invitae), Labcorp).

NM_001041.4(SI):c.1454G>A (p.Trp485Ter)

Gene: SI (sucrase-isomaltase; minus strand). Cytogenetic location: 3q26.1.
Variant type: single nucleotide variant.
Coding change: c.1454G>A on transcript NM_001041.4 (MANE Select); coding-DNA position 1454, G replaced by A.
Protein change: p.Trp485Ter; replaces tryptophan 485 with a stop codon.
Molecular consequence: nonsense.
Genome position (GRCh38, 1-based): chr3:165,055,252, C>T on the plus strand (G>A on the coding strand, the complement: SI is on the minus strand). VCF-style: chr3-165055252-C-T. GRCh37 (hg19) VCF-style: chr3-164773040-C-T.
Other names: short protein forms W485*.
Identifiers: ClinVar variation 3681862 (VCV003681862.3).
Genomic context (GRCh38, chr3:165,055,252, plus strand): 5'-ACAATCCAAAGTCCATCATATTGCACTTCTTGATGGAAAATACTGCATTCATTTGCCCAC[C>T]AATCAATGCAGTTTGGGTTAGTGAAATCAGGGTATACTGTTAATCCTGGCCATACCTAGA-3'